The following is an entry in ClinVar:

NC_000004.12:g.1394928C>T

Genes: CRIPAK (cysteine rich PAK1 inhibitor; plus strand), UVSSA (UV stimulated scaffold protein A; plus strand), LOC126806945 (P300/CBP strongly-dependent group 1 enhancer GRCh37_chr4:1388225-1389424; plus strand). Cytogenetic location: 4p16.3.
Variant type: single nucleotide variant.
Genome position: GRCh38 VCF-style: chr4-1394928-C-T. GRCh37 (hg19) VCF-style: chr4-1388716-C-T.
Identifiers: ClinVar variation 3389995 (VCV003389995.14).
Genomic context (GRCh38, chr4:1,394,928, plus strand): 5'-CGTGCCGATGCGGAGTGCCCGCCTGCTCACACGTGCCCATGCGGAGTGCCCGCCTGCTCA[C>T]ACGTGCCCATGCGGAGTGCCCGCCTGCTCACACGTGCCCATGCGGAGTGCCCGCCTGCTC-3'

ClinVar aggregate classification (germline): Likely benign (1 of 4 stars; one submission).

Submission:

CeGaT Center for Human Genetics Tuebingen
Classification: Likely benign. Last evaluated: 2024-10-01. Review status: criteria provided, single submitter. Criteria: CeGaT Center For Human Genetics Tuebingen Variant Classification Criteria Version 2. Collection method: clinical testing. Allele origin: germline. Affected: yes. Observed: 1 variant allele.
Comment: CRIPAK: PM2:Supporting, BP4, BP7